The following is an entry in ClinVar:

ClinVar aggregate classification (germline): Uncertain significance. Review status: criteria provided, multiple submitters, no conflicts (2 of 4 stars). 2 submissions from 2 submitters: Uncertain significance (2). Last evaluated 2024-10-23.

Conditions:
Inborn genetic diseases. Identifiers: MedGen C0950123, MeSH D030342.

gnomAD v4.1: 8 of 1,613,376 alleles (0.0005%); highest among the groups gnomAD compares: Non-Finnish European, 0.00051%; no homozygotes.

Submissions (2):

Labcorp Genetics (formerly Invitae), Labcorp
Classification: Uncertain significance. Last evaluated: 2024-10-23. Review status: criteria provided, single submitter. Criteria: Invitae Variant Classification Sherloc (09022015). Collection method: clinical testing. Allele origin: germline.
Comment: This sequence change replaces tyrosine, which is neutral and polar, with cysteine, which is neutral and slightly polar, at codon 1680 of the TRRAP protein (p.Tyr1680Cys). This variant is present in population databases (rs782721965, gnomAD 0.007%). This variant has not been reported in the literature in individuals affected with TRRAP-related conditions. Invitae Evidence Modeling of protein sequence and biophysical properties (such as structural, functional, and spatial information, amino acid conservation, physicochemical variation, residue mobility, and thermodynamic stability) indicates that this missense variant is not expected to disrupt TRRAP protein function with a negative predictive value of 80%. In summary, the available evidence is currently insufficient to determine the role of this variant in disease. Therefore, it has been classified as a Variant of Uncertain Significance.

Ambry Genetics
Classification: Uncertain significance for Inborn genetic diseases. Last evaluated: 2024-04-15. Review status: criteria provided, single submitter. Criteria: Ambry Variant Classification Scheme 2023. Collection method: clinical testing. Allele origin: germline.

NM_001375524.1(TRRAP):c.5114A>G (p.Tyr1705Cys)

Genes: TRRAP (transformation/transcription domain associated protein; plus strand), LOC126860121 (MED14-independent group 3 enhancer GRCh37_chr7:98547245-98548444; plus strand). Cytogenetic location: 7q22.1.
Variant type: single nucleotide variant.
Coding change: c.5114A>G on transcript NM_001375524.1 (MANE Select); coding-DNA position 5114, A replaced by G.
Protein change: p.Tyr1705Cys; replaces tyrosine 1705 with cysteine.
Molecular consequence: missense variant.
Genome position (GRCh38, 1-based): chr7:98,949,820, A>G. VCF-style: chr7-98949820-A-G. GRCh37 (hg19) VCF-style: chr7-98547443-A-G.
Other names: c.5093A>G, p.Tyr1698Cys (NM_001244580.2); c.5039A>G, p.Tyr1680Cys (NM_003496.4); short protein forms Y1698C, Y1705C, Y1680C.
Identifiers: ClinVar variation 3329360 (VCV003329360.3).